The following is an entry in ClinVar:

ClinVar aggregate classification (germline): Pathogenic (1 of 4 stars; one submission).

Conditions:
Immunodeficiency-centromeric instability-facial anomalies syndrome 2 (ICF2). Identifiers: Orphanet 2268, MedGen C3279748, MONDO:0013553, OMIM 614069.

Allele frequency attached by ClinVar (database versions not stated): TOPMed 0.00003.

Submission:

Labcorp Genetics (formerly Invitae), Labcorp
Classification: Pathogenic for Immunodeficiency-centromeric instability-facial anomalies syndrome 2. Last evaluated: 2023-07-26. Review status: criteria provided, single submitter. Criteria: Invitae Variant Classification Sherloc (09022015). Collection method: clinical testing. Allele origin: germline.
Comment: For these reasons, this variant has been classified as Pathogenic. This variant has not been reported in the literature in individuals affected with ZBTB24-related conditions. This variant is not present in population databases (gnomAD no frequency). This sequence change creates a premature translational stop signal (p.Glu220*) in the ZBTB24 gene. It is expected to result in an absent or disrupted protein product. Loss-of-function variants in ZBTB24 are known to be pathogenic (PMID: 21596365).

Literature cited by the submitters: PubMed 21596365.

NM_014797.3(ZBTB24):c.658G>T (p.Glu220Ter)

Gene: ZBTB24 (zinc finger and BTB domain containing 24; minus strand). Cytogenetic location: 6q21.
Variant type: single nucleotide variant.
Coding change: c.658G>T on transcript NM_014797.3 (MANE Select); coding-DNA position 658, G replaced by T.
Protein change: p.Glu220Ter; replaces glutamic acid 220 with a stop codon.
Molecular consequence: nonsense.
Genome position (GRCh38, 1-based): chr6:109,481,369, C>A on the plus strand (G>T on the coding strand, the complement: ZBTB24 is on the minus strand). VCF-style: chr6-109481369-C-A. GRCh37 (hg19) VCF-style: chr6-109802572-C-A.
Other names: c.658G>T, p.Glu220Ter (NM_001164313.2); short protein forms E220*.
Identifiers: ClinVar variation 2879709 (VCV002879709.3), dbSNP rs1021104757, ClinGen allele CA145111081.